The following is an entry in ClinVar:

NM_004130.4(GYG1):c.67G>C (p.Gly23Arg)

Gene: GYG1 (glycogenin 1; plus strand). Cytogenetic location: 3q24.
Variant type: single nucleotide variant.
Coding change: c.67G>C on transcript NM_004130.4 (MANE Select); coding-DNA position 67, G replaced by C.
Protein change: p.Gly23Arg; replaces glycine 23 with arginine.
Molecular consequence: missense variant.
Genome position (GRCh38, 1-based): chr3:148,994,201, G>C. VCF-style: chr3-148994201-G-C. GRCh37 (hg19) VCF-style: chr3-148711988-G-C.
Other names: c.67G>C, p.Gly23Arg (NM_001184720.2, NM_001184721.2); short protein forms G23R.
Identifiers: ClinVar variation 1486465 (VCV001486465.6), dbSNP rs148083274, ClinGen allele CA2658448.
Genomic context (GRCh38, chr3:148,994,201, plus strand): 5'-GATCAGGCCTTTGTGACACTAACCACAAACGATGCCTACGCCAAAGGTGCCCTGGTCCTG[G>C]GATCATCTCTGAAACAGCACAGGACCACCAGGAGGCTGGTCGTGCTCGCCACCCCTCAGG-3'
Protein context (NP_004121.2, residues 13-33): DAYAKGALVL[Gly23Arg]SSLKQHRTTR

ClinVar aggregate classification (germline): Uncertain significance (1 of 4 stars; one submission).

Conditions:
Glycogen storage disease XV (GSD15). Also called: GLYCOGENIN DEFICIENCY; GSD XV. Identifiers: Orphanet 263297, MedGen C3150754, MONDO:0013291, OMIM 613507.
Polyglucosan body myopathy type 2. Identifiers: Orphanet 456369, MedGen C4015452, MONDO:0014526, OMIM 616199.

Allele frequency attached by ClinVar (database versions not stated): ExAC 0.00002; gnomAD exomes 0.00003 and 0.00006; TOPMed 0.00005; gnomAD 0.00006; ESP Exome Variant Server 0.00015.
gnomAD v4.1: 93 of 1,613,656 alleles (0.0058%); highest among the groups gnomAD compares: Non-Finnish European, 0.0074%; no homozygotes.

Submission:

Labcorp Genetics (formerly Invitae), Labcorp
Classification: Uncertain significance for Polyglucosan body myopathy type 2; Glycogen storage disease XV. Last evaluated: 2023-10-03. Review status: criteria provided, single submitter. Criteria: Invitae Variant Classification Sherloc (09022015). Collection method: clinical testing. Allele origin: germline.
Comment: This sequence change replaces glycine, which is neutral and non-polar, with arginine, which is basic and polar, at codon 23 of the GYG1 protein (p.Gly23Arg). This variant is present in population databases (rs148083274, gnomAD 0.007%). This variant has not been reported in the literature in individuals affected with GYG1-related conditions. ClinVar contains an entry for this variant (Variation ID: 1486465). Advanced modeling of protein sequence and biophysical properties (such as structural, functional, and spatial information, amino acid conservation, physicochemical variation, residue mobility, and thermodynamic stability) performed at Invitae indicates that this missense variant is expected to disrupt GYG1 protein function. In summary, the available evidence is currently insufficient to determine the role of this variant in disease. Therefore, it has been classified as a Variant of Uncertain Significance.